The following is an entry in ClinVar:

NM_006998.4(SCGN):c.83-1del

Gene: SCGN (secretagogin, EF-hand calcium binding protein; plus strand). Cytogenetic location: 6p22.2.
Variant type: Deletion.
Coding change: c.83-1del on transcript NM_006998.4 (MANE Select); the canonical splice acceptor site of the intron before coding-DNA position 83, one base deleted (G; older notation c.83-1delG).
Molecular consequence: splice acceptor variant.
Genome position (GRCh38, 1-based): chr6:25,653,381, G deleted. VCF-style (leftmost placement, unchanged base first): chr6-25653380-AG-A. GRCh37 (hg19) VCF-style: chr6-25653608-AG-A.
Other names: c.83-1delG (NM_006998.3).
Identifiers: ClinVar variation 714310 (VCV000714310.6), dbSNP rs60502981, ClinGen allele CA3661216.

ClinVar aggregate classification (germline): Benign. Review status: criteria provided, single submitter (1 of 4 stars). 2 submissions from 2 submitters: Benign (1). 1 of the submissions does not count toward it. Last evaluated 2019-12-31.

Conditions:
SCGN-related disorder. Also called: SCGN-related condition.

Allele frequency attached by ClinVar (database versions not stated): gnomAD exomes 0.00096 and 0.00209; ExAC 0.00270; ESP Exome Variant Server 0.00855; gnomAD 0.00870 and 0.00930; TOPMed 0.00983; 1000 Genomes Project 0.01118; 1000 Genomes Project 30x 0.01234.

Submissions (2):

Labcorp Genetics (formerly Invitae), Labcorp
Classification: Benign. Last evaluated: 2019-12-31. Review status: criteria provided, single submitter. Criteria: Invitae Variant Classification Sherloc (09022015). Collection method: clinical testing. Allele origin: germline.

PreventionGenetics, part of Exact Sciences
Classification: Benign for SCGN-related condition. Last evaluated: 2020-06-05. Review status: no assertion criteria provided. Collection method: clinical testing. Allele origin: germline. Not counted in ClinVar's aggregate classification.
Comment: This variant is classified as benign based on ACMG/AMP sequence variant interpretation guidelines (Richards et al. 2015 PMID: 25741868, with internal and published modifications).